The following is an entry in ClinVar:

NM_001458.5(FLNC):c.2551-113G>A

Gene: FLNC (filamin C; plus strand). Cytogenetic location: 7q32.1.
Variant type: single nucleotide variant.
Coding change: c.2551-113G>A on transcript NM_001458.5 (MANE Select); 113 bases into the intron before coding-DNA position 2551, G replaced by A.
Molecular consequence: intron variant.
Genome position (GRCh38, 1-based): chr7:128,843,116, G>A. VCF-style: chr7-128843116-G-A. GRCh37 (hg19) VCF-style: chr7-128483170-G-A.
Other names: c.2551-113G>A (NM_001127487.2).
Identifiers: ClinVar variation 681832 (VCV000681832.2), dbSNP rs75433428, ClinGen allele CA12619178.

ClinVar aggregate classification (germline): Benign. Review status: criteria provided, multiple submitters, no conflicts (2 of 4 stars). 2 submissions from 2 submitters: Benign (2). Last evaluated 2018-06-18.

Allele frequency attached by ClinVar (database versions not stated): gnomAD 0.06591 and 0.06732; TOPMed 0.07008; 1000 Genomes Project 30x 0.09525; 1000 Genomes Project 0.09685.
gnomAD v4.1: 28,319 of 1,362,488 alleles (2.1%); highest among the groups gnomAD compares: African/African-American, 21%; 1,998 homozygotes.

Submissions (2):

GeneDx
Classification: Benign. Last evaluated: 2018-06-18. Review status: criteria provided, single submitter. Criteria: GeneDx Variant Classification (06012015). Collection method: clinical testing. Allele origin: germline. Affected: yes.
Comment: This variant is considered likely benign or benign based on one or more of the following criteria: it is a conservative change, it occurs at a poorly conserved position in the protein, it is predicted to be benign by multiple in silico algorithms, and/or has population frequency not consistent with disease.

Breakthrough Genomics
Classification: Benign. Review status: criteria provided, single submitter. Criteria: ACMG Guidelines, 2015. Collection method: not provided. Allele origin: germline. Inheritance: Autosomal dominant inheritance. Affected: yes.